The following is an entry in ClinVar:

ClinVar aggregate classification (germline): Benign. Review status: criteria provided, multiple submitters, no conflicts (2 of 4 stars). 4 submissions from 4 submitters: Benign (4). Last evaluated 2026-01-28.

Allele frequency attached by ClinVar (database versions not stated): gnomAD exomes 0.00064; ESP Exome Variant Server 0.00562; gnomAD 0.00627 and 0.00665; TOPMed 0.00629; 1000 Genomes Project 0.00739; 1000 Genomes Project 30x 0.00828.
gnomAD v4.1: 1,906 of 1,612,678 alleles (0.12%); highest among the groups gnomAD compares: African/African-American, 2.2%; 20 homozygotes.

Submissions (4):

Labcorp Genetics (formerly Invitae), Labcorp
Classification: Benign. Last evaluated: 2026-01-28. Review status: criteria provided, single submitter. Criteria: Invitae Variant Classification Sherloc (09022015). Collection method: clinical testing. Allele origin: germline.

Mayo Clinic Laboratories, Mayo Clinic
Classification: Benign. Last evaluated: 2021-11-05. Review status: criteria provided, single submitter. Criteria: ACMG Guidelines, 2015. Collection method: clinical testing. Allele origin: germline. Observed: 6 variant alleles.
Comment: BA1

Center for Pediatric Genomic Medicine, Children's Mercy Hospital and Clinics
Classification: Benign. Last evaluated: 2016-12-30. Review status: criteria provided, single submitter. Criteria: ACMG Guidelines, 2015. Collection method: clinical testing. Allele origin: germline.

GeneDx
Classification: Benign. Last evaluated: 2013-05-24. Review status: criteria provided, single submitter. Criteria: GeneDx Variant Classification (06012015). Collection method: clinical testing. Allele origin: germline. Affected: yes.
Comment: This variant is considered likely benign or benign based on one or more of the following criteria: it is a conservative change, it occurs at a poorly conserved position in the protein, it is predicted to be benign by multiple in silico algorithms, and/or has population frequency not consistent with disease.

NM_003477.3(PDHX):c.566G>A (p.Arg189His)

Gene: PDHX (pyruvate dehydrogenase complex component X; plus strand). Cytogenetic location: 11p13.
Variant type: single nucleotide variant.
Coding change: c.566G>A on transcript NM_003477.3 (MANE Select); coding-DNA position 566, G replaced by A.
Protein change: p.Arg189His; replaces arginine 189 with histidine.
Molecular consequence: missense variant. On other transcripts: intron variant (1).
Genome position (GRCh38, 1-based): chr11:34,960,443, G>A. VCF-style: chr11-34960443-G-A. GRCh37 (hg19) VCF-style: chr11-34981990-G-A.
Other names: p.R189H:CGC>CAC; p.Arg189His; c.386G>A, p.Arg129His (NM_001135024.2); c.342+12837G>A (NM_001166158.2); short protein forms R189H, R129H.
Identifiers: ClinVar variation 138661 (VCV000138661.13), dbSNP rs61752925, ClinGen allele CA292745.